The following is an entry in ClinVar:

ClinVar aggregate classification (germline): Benign (1 of 4 stars; one submission).

Allele frequency attached by ClinVar (database versions not stated): gnomAD 0.13092 and 0.13561; TOPMed 0.13644; 1000 Genomes Project 0.14716; 1000 Genomes Project 30x 0.15303.
gnomAD v4.1: 19,770 of 151,892 alleles (13%); highest among the groups gnomAD compares: African/African-American, 33%; 2,531 homozygotes.

Submission:

GeneDx
Classification: Benign. Last evaluated: 2018-06-14. Review status: criteria provided, single submitter. Criteria: GeneDx Variant Classification (06012015). Collection method: clinical testing. Allele origin: germline. Affected: yes.
Comment: This variant is considered likely benign or benign based on one or more of the following criteria: it is a conservative change, it occurs at a poorly conserved position in the protein, it is predicted to be benign by multiple in silico algorithms, and/or has population frequency not consistent with disease.

NM_000540.3(RYR1):c.6274+299C>T

Gene: RYR1 (ryanodine receptor 1; plus strand). Cytogenetic location: 19q13.2.
Variant type: single nucleotide variant.
Coding change: c.6274+299C>T on transcript NM_000540.3 (MANE Select); 299 bases into the intron after coding-DNA position 6274, C replaced by T.
Molecular consequence: intron variant.
Genome position (GRCh38, 1-based): chr19:38,492,935, C>T. VCF-style: chr19-38492935-C-T. GRCh37 (hg19) VCF-style: chr19-38983575-C-T.
Other names: c.6274+299C>T (NM_001042723.2).
Identifiers: ClinVar variation 680761 (VCV000680761.1), dbSNP rs7246905, ClinGen allele CA16572079.
Genomic context (GRCh38, chr19:38,492,935, plus strand): 5'-CCCGGCCAACATGGTGAAACCCCCTTCTCCACTAAAAATACAAAAATTAGCTGGGTGTGG[C>T]GGTGCATGCCTGTAATCCCAGCTACTTGGAGACTGAGGCACGAGAATTGCTTGAATGCAG-3'